The following is an entry in ClinVar:

NM_001134673.4(NFIA):c.469T>C (p.Ser157Pro)

Gene: NFIA (nuclear factor I A; plus strand). Cytogenetic location: 1p31.3.
Variant type: single nucleotide variant.
Coding change: c.469T>C on transcript NM_001134673.4 (MANE Select); coding-DNA position 469, T replaced by C.
Protein change: p.Ser157Pro; replaces serine 157 with proline.
Molecular consequence: missense variant.
Genome position (GRCh38, 1-based): chr1:61,088,590, T>C. VCF-style: chr1-61088590-T-C. GRCh37 (hg19) VCF-style: chr1-61554262-T-C.
Other names: c.445T>C, p.Ser149Pro (NM_001145511.2); c.604T>C, p.Ser202Pro (NM_001145512.2); c.469T>C, p.Ser157Pro (NM_005595.5); short protein forms S149P, S157P, S202P.
Identifiers: ClinVar variation 1996845 (VCV001996845.4), dbSNP rs2524201334, ClinGen allele CA340587121.

ClinVar aggregate classification (germline): Uncertain significance (1 of 4 stars; one submission).

Allele frequency attached by ClinVar (database versions not stated): gnomAD exomes below 0.00001.
gnomAD v4.1: 2 of 1,614,158 alleles (0.00012%); highest among the groups gnomAD compares: Non-Finnish European, 0.00017%; no homozygotes.

Submission:

Labcorp Genetics (formerly Invitae), Labcorp
Classification: Uncertain significance. Last evaluated: 2022-11-08. Review status: criteria provided, single submitter. Criteria: Invitae Variant Classification Sherloc (09022015). Collection method: clinical testing. Allele origin: germline.
Comment: In summary, the available evidence is currently insufficient to determine the role of this variant in disease. Therefore, it has been classified as a Variant of Uncertain Significance. This sequence change replaces serine, which is neutral and polar, with proline, which is neutral and non-polar, at codon 157 of the NFIA protein (p.Ser157Pro). This variant is not present in population databases (gnomAD no frequency). This variant has not been reported in the literature in individuals affected with NFIA-related conditions. Algorithms developed to predict the effect of missense changes on protein structure and function are either unavailable or do not agree on the potential impact of this missense change (SIFT: "Tolerated"; PolyPhen-2: "Probably Damaging"; Align-GVGD: "Class C0").